The following is an entry in ClinVar:

NM_207420.3(SLC2A7):c.670C>T (p.Arg224Cys)

Gene: SLC2A7 (solute carrier family 2 member 7; minus strand). Cytogenetic location: 1p36.23.
Variant type: single nucleotide variant.
Coding change: c.670C>T on transcript NM_207420.3 (MANE Select); coding-DNA position 670, C replaced by T.
Protein change: p.Arg224Cys; replaces arginine 224 with cysteine.
Molecular consequence: missense variant.
Genome position (GRCh38, 1-based): chr1:9,015,162, G>A on the plus strand (C>T on the coding strand, the complement: SLC2A7 is on the minus strand). VCF-style: chr1-9015162-G-A. GRCh37 (hg19) VCF-style: chr1-9075221-G-A.
Other names: short protein forms R224C.
Identifiers: ClinVar variation 2638184 (VCV002638184.24), dbSNP rs35776221, ClinGen allele CA573597.

ClinVar aggregate classification (germline): Likely benign (1 of 4 stars; one submission).

Allele frequency attached by ClinVar (database versions not stated): 1000 Genomes Project 30x 0.00265; 1000 Genomes Project 0.00300; TOPMed 0.00437; gnomAD 0.00544; ESP Exome Variant Server 0.00554; ExAC 0.00730; gnomAD exomes 0.00735.

Submission:

CeGaT Center for Human Genetics Tuebingen
Classification: Likely benign. Last evaluated: 2023-02-01. Review status: criteria provided, single submitter. Criteria: CeGaT Center For Human Genetics Tuebingen Variant Classification Criteria Version 2. Collection method: clinical testing. Allele origin: germline. Affected: yes. Observed: 1 variant allele.
Comment: SLC2A7: BS2